The following is an entry in ClinVar:

ClinVar aggregate classification (germline): Uncertain significance (1 of 4 stars; one submission).

Conditions:
Autosomal recessive distal spinal muscular atrophy 1. Also called: Spinal muscular atrophy with respiratory distress 1; NEURONOPATHY, SEVERE INFANTILE AXONAL, WITH RESPIRATORY FAILURE; SEVERE INFANTILE AXONAL NEUROPATHY WITH RESPIRATORY FAILURE; SPINAL MUSCULAR ATROPHY, DIAPHRAGMATIC; NEURONOPATHY, DISTAL HEREDITARY MOTOR, HARDING TYPE VI; NEUROPATHY, DISTAL HEREDITARY MOTOR, AUTOSOMAL RECESSIVE 1. Identifiers: Orphanet 98920, MedGen C1858517, MONDO:0011436, OMIM 604320.
Charcot-Marie-Tooth disease axonal type 2S. Also called: CHARCOT-MARIE-TOOTH NEUROPATHY, TYPE 2S; CHARCOT-MARIE-TOOTH DISEASE, AXONAL, AUTOSOMAL RECESSIVE, TYPE 2S. Identifiers: Orphanet 443073, MedGen C4015349, MONDO:0014511, OMIM 616155.

Submission:

Labcorp Genetics (formerly Invitae), Labcorp
Classification: Uncertain significance for Autosomal recessive distal spinal muscular atrophy 1; Charcot-Marie-Tooth disease axonal type 2S. Last evaluated: 2018-05-04. Review status: criteria provided, single submitter. Criteria: Invitae Variant Classification Sherloc (09022015). Collection method: clinical testing. Allele origin: germline.
Comment: This variant is not present in population databases (ExAC no frequency). In summary, the available evidence is currently insufficient to determine the role of this variant in disease. Therefore, it has been classified as a Variant of Uncertain Significance. Algorithms developed to predict the effect of missense changes on protein structure and function do not agree on the potential impact of this missense change (SIFT: "Deleterious"; PolyPhen-2: "Probably Damaging"; Align-GVGD: "Class C0"). This variant has not been reported in the literature in individuals with IGHMBP2-related disease. This sequence change replaces glycine with arginine at codon 955 of the IGHMBP2 protein (p.Gly955Arg). The glycine residue is moderately conserved and there is a moderate physicochemical difference between glycine and arginine.

NM_002180.3(IGHMBP2):c.2863G>C (p.Gly955Arg)

Gene: IGHMBP2 (immunoglobulin mu DNA binding protein 2; plus strand). Cytogenetic location: 11q13.3.
Variant type: single nucleotide variant.
Coding change: c.2863G>C on transcript NM_002180.3 (MANE Select); coding-DNA position 2863, G replaced by C.
Protein change: p.Gly955Arg; replaces glycine 955 with arginine.
Molecular consequence: missense variant.
Genome position (GRCh38, 1-based): chr11:68,939,612, G>C. VCF-style: chr11-68939612-G-C. GRCh37 (hg19) VCF-style: chr11-68707080-G-C.
Other names: short protein forms G955R.
Identifiers: ClinVar variation 571833 (VCV000571833.9), dbSNP rs764208218, ClinGen allele CA381654940.
Genomic context (GRCh38, chr11:68,939,612, plus strand): 5'-AGGGCTCGCGCCCATGCCCGGCAGAGAATCAGCCGGGAAGGGGTCCTCTATGCCGGCAGC[G>C]GGACCAAGAACGGATCCCTGGACCCAGCCAAGAGGGCCCAGCTGCAGAGGAGGCTGGATA-3'
Protein context (NP_002171.2, residues 945-965): SREGVLYAGS[Gly955Arg]TKNGSLDPAK